The following is an entry in ClinVar:

NM_181776.3(SLC36A2):c.935G>A (p.Gly312Asp)

Gene: SLC36A2 (solute carrier family 36 member 2; minus strand). Cytogenetic location: 5q33.1.
Variant type: single nucleotide variant.
Coding change: c.935G>A on transcript NM_181776.3 (MANE Select); coding-DNA position 935, G replaced by A.
Protein change: p.Gly312Asp; replaces glycine 312 with aspartic acid.
Molecular consequence: missense variant.
Genome position (GRCh38, 1-based): chr5:151,325,361, C>T on the plus strand (G>A on the coding strand, the complement: SLC36A2 is on the minus strand). VCF-style: chr5-151325361-C-T. GRCh37 (hg19) VCF-style: chr5-150704922-C-T.
Other names: short protein forms G312D.
Identifiers: ClinVar variation 1971217 (VCV001971217.5), dbSNP rs750985367, ClinGen allele CA3518695.

ClinVar aggregate classification (germline): Uncertain significance (1 of 4 stars; one submission).

Allele frequency attached by ClinVar (database versions not stated): ExAC 0.00004; gnomAD exomes 0.00004; gnomAD 0.00007.
gnomAD v4.1: 72 of 1,613,990 alleles (0.0045%); highest among the groups gnomAD compares: Non-Finnish European, 0.0058%; no homozygotes.

Submission:

Labcorp Genetics (formerly Invitae), Labcorp
Classification: Uncertain significance. Last evaluated: 2022-06-09. Review status: criteria provided, single submitter. Criteria: Invitae Variant Classification Sherloc (09022015). Collection method: clinical testing. Allele origin: germline.
Comment: In summary, the available evidence is currently insufficient to determine the role of this variant in disease. Therefore, it has been classified as a Variant of Uncertain Significance. Algorithms developed to predict the effect of missense changes on protein structure and function (SIFT, PolyPhen-2, Align-GVGD) all suggest that this variant is likely to be tolerated. This variant has not been reported in the literature in individuals affected with SLC36A2-related conditions. This variant is present in population databases (rs750985367, gnomAD 0.006%). This sequence change replaces glycine, which is neutral and non-polar, with aspartic acid, which is acidic and polar, at codon 312 of the SLC36A2 protein (p.Gly312Asp).